The following is an entry in ClinVar:

NM_001083116.3(PRF1):c.886T>C (p.Tyr296His)

Gene: PRF1 (perforin 1; minus strand). Cytogenetic location: 10q22.1.
Variant type: single nucleotide variant.
Coding change: c.886T>C on transcript NM_001083116.3 (MANE Select); coding-DNA position 886, T replaced by C.
Protein change: p.Tyr296His; replaces tyrosine 296 with histidine.
Molecular consequence: missense variant.
Genome position (GRCh38, 1-based): chr10:70,598,835, A>G on the plus strand (T>C on the coding strand, the complement: PRF1 is on the minus strand). VCF-style: chr10-70598835-A-G. GRCh37 (hg19) VCF-style: chr10-72358591-A-G.
Other names: c.886T>C, p.Tyr296His (NM_005041.6); short protein forms Y296H.
Identifiers: ClinVar variation 838508 (VCV000838508.13), dbSNP rs148237800, ClinGen allele CA5538895.

ClinVar aggregate classification (germline): Conflicting classifications of pathogenicity. Review status: criteria provided, conflicting classifications (1 of 4 stars). 4 submissions from 4 submitters: Pathogenic (1); Likely pathogenic (1); Uncertain significance (2). Last evaluated 2025-10-26.

Conditions:
Autoinflammatory syndrome. Identifiers: Orphanet 93665, MedGen C3890737, MONDO:0019751.
Aplastic anemia. Identifiers: Orphanet 182040, Orphanet 88, MedGen C0002874, MONDO:0015909, OMIM 609135, HP:0001915.
Familial hemophagocytic lymphohistiocytosis 2 (FHL2). Also called: PRF1-Related Familial Hemophagocytic Lymphohistiocytosis (PRF1-fHLH). Identifiers: Orphanet 540, MedGen C1863727, MONDO:0011337, OMIM 603553.

Allele frequency attached by ClinVar (database versions not stated): gnomAD 0.00002 and 0.00001; gnomAD exomes 0.00002 and 0.00001; TOPMed 0.00003; ExAC 0.00002; ESP Exome Variant Server 0.00008.
gnomAD v4.1: 37 of 1,614,096 alleles (0.0023%); highest among the groups gnomAD compares: Non-Finnish European, 0.0028%; no homozygotes.

Submissions (4):

Labcorp Genetics (formerly Invitae), Labcorp
Classification: Pathogenic for Familial hemophagocytic lymphohistiocytosis 2. Last evaluated: 2025-10-26. Review status: criteria provided, single submitter. Criteria: Invitae Variant Classification Sherloc (09022015). Collection method: clinical testing. Allele origin: germline.
Comment: This sequence change replaces tyrosine, which is neutral and polar, with histidine, which is basic and polar, at codon 296 of the PRF1 protein (p.Tyr296His). This variant is present in population databases (rs148237800, gnomAD 0.0009%). This missense change has been observed in individual(s) with familial hemophagocytic lymphohistiocytosis (PMID: 26450956, 31219909). ClinVar contains an entry for this variant (Variation ID: 838508). Invitae Evidence Modeling of protein sequence and biophysical properties (such as structural, functional, and spatial information, amino acid conservation, physicochemical variation, residue mobility, and thermodynamic stability) indicates that this missense variant is expected to disrupt PRF1 protein function with a positive predictive value of 95%. For these reasons, this variant has been classified as Pathogenic.

Baylor Genetics
Classification: Likely pathogenic for Aplastic anemia. Last evaluated: 2024-03-20. Review status: criteria provided, single submitter. Criteria: ACMG Guidelines, 2015. Collection method: clinical testing. Allele origin: unknown.

Women's Health and Genetics/Laboratory Corporation of America, LabCorp
Classification: Uncertain significance. Last evaluated: 2021-11-03. Review status: criteria provided, single submitter. Criteria: LabCorp Variant Classification Summary - May 2015. Collection method: clinical testing. Allele origin: germline.
Comment: Variant summary: PRF1 c.886T>C (p.Tyr296His) results in a conservative amino acid change located in the Membrane attack complex component/perforin (MACPF) domain (IPR020864) of the encoded protein sequence. Three of five in-silico tools predict a damaging effect of the variant on protein function. The variant allele was found at a frequency of 1.2e-05 in 251456 control chromosomes. c.886T>C has been reported in the literature as a compound heterozygous genotype in at-least three individuals affected with Familial hemophagocytic lymphohistiocytosis (example, Abdalgani_2015, Gadoury-Levesque_2020) and as a non-informative genotype in at-least one individual with systemic Juvenile Idiopathic Arthritis (SJIA) who underwent whole exome sequencing analysis (Kaufman_2014). The clinical presentation corroborated with the analysis of perforin mean channel fluorescence measurements in peripheral blood natural killer (NK) cells by flow cytometry in at-least two of the affected biallelic individuals reported in the literature (example, Abdalgani_2015). These data indicate that the variant may be associated with disease. To our knowledge, no experimental evidence demonstrating an impact on protein function has been reported. One clinical diagnostic laboratory has submitted clinical-significance assessments for this variant to ClinVar after 2014 without evidence for independent evaluation and classified the variant as uncertain significance. Based on the evidence outlined above, the variant was classified as VUS-possibly pathogenic.

Genome Diagnostics Laboratory, The Hospital for Sick Children
Classification: Uncertain significance for Autoinflammatory syndrome. Last evaluated: 2018-04-01. Review status: criteria provided, single submitter. Criteria: ACMG Guidelines, 2015. Collection method: clinical testing. Allele origin: germline. Affected: yes.

Literature cited by the submitters: PubMed 26450956 (cited by Labcorp Genetics (formerly Invitae), Labcorp and Women's Health and Genetics/Laboratory Corporation of America, LabCorp); PubMed 31219909 (cited by Labcorp Genetics (formerly Invitae), Labcorp); PubMed 32542393 (cited by Women's Health and Genetics/Laboratory Corporation of America, LabCorp); PubMed 25047945 (cited by Women's Health and Genetics/Laboratory Corporation of America, LabCorp).